The following is an entry in ClinVar:

ClinVar aggregate classification (germline): Uncertain significance. Review status: criteria provided, multiple submitters, no conflicts (2 of 4 stars). 3 submissions from 3 submitters: Uncertain significance (3). Last evaluated 2024-11-11.

Conditions:
Hereditary cancer-predisposing syndrome. Also called: Hereditary Cancer Syndrome; Neoplastic Syndromes, Hereditary; Tumor predisposition; Hereditary neoplastic syndrome. Identifiers: Orphanet 140162, MedGen C0027672, MeSH D009386, MONDO:0015356.
Hereditary nonpolyposis colorectal neoplasms. Identifiers: MedGen C0009405, MeSH D003123.

Allele frequency attached by ClinVar (database versions not stated): gnomAD exomes 0.00001.
gnomAD v4.1: 3 of 1,614,008 alleles (0.00019%); highest among the groups gnomAD compares: Non-Finnish European, 0.00025%; no homozygotes.

Submissions (3):

Ambry Genetics
Classification: Uncertain significance for Hereditary cancer-predisposing syndrome. Last evaluated: 2024-11-11. Review status: criteria provided, single submitter. Criteria: Ambry Variant Classification Scheme 2023. Collection method: clinical testing. Allele origin: germline.
Comment: The p.S611R variant (also known as c.1833T>G), located in coding exon 4 of the MSH6 gene, results from a T to G substitution at nucleotide position 1833. The serine at codon 611 is replaced by arginine, an amino acid with dissimilar properties. This amino acid position is poorly conserved in available vertebrate species. In addition, this alteration is predicted to be tolerated by in silico analysis. In addition, the CoDP in silico tool predicts this alteration to have minor impact on molecular function, with a score of 0.053 (Terui H et al. J. Biomed. Sci. 2013 Apr;20:25). Since supporting evidence is limited at this time, the clinical significance of this alteration remains unclear.

Labcorp Genetics (formerly Invitae), Labcorp
Classification: Uncertain significance for Hereditary nonpolyposis colorectal neoplasms. Last evaluated: 2024-08-29. Review status: criteria provided, single submitter. Criteria: Invitae Variant Classification Sherloc (09022015). Collection method: clinical testing. Allele origin: germline.
Comment: This sequence change replaces serine, which is neutral and polar, with arginine, which is basic and polar, at codon 611 of the MSH6 protein (p.Ser611Arg). This variant is not present in population databases (gnomAD no frequency). This variant has not been reported in the literature in individuals affected with MSH6-related conditions. ClinVar contains an entry for this variant (Variation ID: 479872). Invitae Evidence Modeling of protein sequence and biophysical properties (such as structural, functional, and spatial information, amino acid conservation, physicochemical variation, residue mobility, and thermodynamic stability) indicates that this missense variant is not expected to disrupt MSH6 protein function with a negative predictive value of 95%. In summary, the available evidence is currently insufficient to determine the role of this variant in disease. Therefore, it has been classified as a Variant of Uncertain Significance.

Quest Diagnostics Nichols Institute San Juan Capistrano
Classification: Uncertain significance. Last evaluated: 2023-08-11. Review status: criteria provided, single submitter. Criteria: Quest Diagnostics criteria. Collection method: clinical testing. Allele origin: unknown.
Comment: This variant has not been reported in the published literature. It also has not been reported in large, multi-ethnic general populations (Genome Aggregation Database). Analysis of this variant using bioinformatics tools for the prediction of the effect of amino acid changes on protein structure and function yielded predictions that this variant is benign. Based on the available information, we are unable to determine the clinical significance of this variant.

NM_000179.3(MSH6):c.1833T>G (p.Ser611Arg)

Gene: MSH6 (mutS homolog 6; plus strand). Cytogenetic location: 2p16.3.
Variant type: single nucleotide variant.
Coding change: c.1833T>G on transcript NM_000179.3 (MANE Select); coding-DNA position 1833, T replaced by G.
Protein change: p.Ser611Arg; replaces serine 611 with arginine.
Molecular consequence: missense variant.
Genome position (GRCh38, 1-based): chr2:47,799,816, T>G. VCF-style: chr2-47799816-T-G. GRCh37 (hg19) VCF-style: chr2-48026955-T-G.
Other names: c.1443T>G, p.Ser481Arg (NM_001281492.2); c.927T>G, p.Ser309Arg (NM_001281493.2, NM_001281494.2); short protein forms S611R, S309R, S481R.
Identifiers: ClinVar variation 479872 (VCV000479872.18), dbSNP rs1553413220, ClinGen allele CA346749562.